The following is an entry in ClinVar:

ClinVar aggregate classification (germline): Uncertain significance (1 of 4 stars; one submission).

Conditions:
MYO5B-related disorder. Also called: MYO5B-related condition.

gnomAD v4.1: 3 of 1,613,660 alleles (0.00019%); highest among the groups gnomAD compares: African/African-American, 0.004%; no homozygotes.

Submission:

PreventionGenetics, part of Exact Sciences
Classification: Uncertain significance for MYO5B-related condition. Last evaluated: 2025-05-08. Review status: criteria provided, single submitter. Criteria: ACMG Guidelines, 2015. Collection method: clinical testing. Allele origin: germline.
Comment: The MYO5B c.2425C>T variant is predicted to result in the amino acid substitution p.His809Tyr. To our knowledge, this variant has not been reported in the literature. This variant is reported in 0.019% of alleles in individuals of African descent in gnomAD. At this time, the clinical significance of this variant is uncertain due to the absence of conclusive functional and genetic evidence.

NM_001080467.3(MYO5B):c.2425C>T (p.His809Tyr)

Gene: MYO5B (myosin VB; minus strand). Cytogenetic location: 18q21.1.
Variant type: single nucleotide variant.
Coding change: c.2425C>T on transcript NM_001080467.3 (MANE Select); coding-DNA position 2425, C replaced by T.
Protein change: p.His809Tyr; replaces histidine 809 with tyrosine.
Molecular consequence: missense variant.
Genome position (GRCh38, 1-based): chr18:49,904,818, G>A on the plus strand (C>T on the coding strand, the complement: MYO5B is on the minus strand). VCF-style: chr18-49904818-G-A. GRCh37 (hg19) VCF-style: chr18-47431188-G-A.
Other names: short protein forms H809Y.
Identifiers: ClinVar variation 5002404 (VCV005002404.1).